The following is an entry in ClinVar:

ClinVar aggregate classification (germline): Benign (1 of 4 stars; one submission).

Conditions:
Occult macular dystrophy (OCMD). Also called: OMD; OCCULT MACULAR DYSTROPHY, SUSCEPTIBILITY TO. Identifiers: Orphanet 247834, MedGen C3150833, MONDO:0013316, OMIM 613587, HP:0030636.

Allele frequency attached by ClinVar (database versions not stated): 1000 Genomes Project 0.03175.

Submission:

Illumina Laboratory Services, Illumina
Classification: Benign for Occult macular dystrophy. Last evaluated: 2017-04-27. Review status: criteria provided, single submitter. Criteria: ICSL Variant Classification Criteria 13 December 2019. Collection method: clinical testing. Allele origin: germline.
Comment: This variant was observed as part of a predisposition screen in an ostensibly healthy population. A literature search was performed for the gene, cDNA change, and amino acid change (where applicable). No publications were found based on this search. Allele frequency data from public databases was too high to be consistent with this variant causing disease. Therefore, this variant is classified as benign.

NM_178857.6(RP1L1):c.5646G>T (p.Glu1882Asp)

Gene: RP1L1 (RP1 like 1). Cytogenetic location: 8p23.1.
Variant type: single nucleotide variant.
Coding change: c.5646G>T on transcript NM_178857.6 (MANE Select); coding-DNA position 5646, G replaced by T.
Protein change: p.Glu1882Asp; replaces glutamic acid 1882 with aspartic acid.
Molecular consequence: missense variant.
Genome position (GRCh38, 1-based): chr8:10,608,452, C>A on the plus strand (G>T on the coding strand, the complement: RP1L1 is on the minus strand). VCF-style: chr8-10608452-C-A. GRCh37 (hg19) VCF-style: chr8-10465962-C-A.
Other names: short protein forms E1882D.
Identifiers: ClinVar variation 361243 (VCV000361243.5), dbSNP rs111646478, ClinGen allele CA10626745.